The following is an entry in ClinVar:

NM_153252.5(BRWD3):c.4572C>T (p.Phe1524=)

Gene: BRWD3 (bromodomain and WD repeat domain containing 3; minus strand). Cytogenetic location: Xq21.1.
Variant type: single nucleotide variant.
Coding change: c.4572C>T on transcript NM_153252.5 (MANE Select); coding-DNA position 4572, C replaced by T.
Protein change: p.Phe1524=; no amino-acid change (phenylalanine 1524 retained).
Molecular consequence: synonymous variant.
Genome position (GRCh38, 1-based): chrX:80,681,423, G>A on the plus strand (C>T on the coding strand, the complement: BRWD3 is on the minus strand). VCF-style: chrX-80681423-G-A. GRCh37 (hg19) VCF-style: chrX-79936922-G-A.
Identifiers: ClinVar variation 734872 (VCV000734872.15), dbSNP rs34984796, ClinGen allele CA10461625.
Genomic context (GRCh38, chrX:80,681,423, plus strand): 5'-ATTCCGAAATGATTTGGCTTTCCCTGGGTCATGGCTATTTCCACTTCGGCTATATCCACC[G>A]AAGCTCGATGAAGAAAATGGCCCATCTGGCTCATCATCAAGTAGATATAGTGAAAGCCCT-3'
Protein context (NP_694984.5, residues 1514-1534): EPDGPFSSSS[Phe1524=]GGYSRSGNSH

ClinVar aggregate classification (germline): Benign/Likely benign. Review status: criteria provided, multiple submitters, no conflicts (2 of 4 stars). 4 submissions from 4 submitters: Benign (2); Likely benign (1). 1 of the submissions does not count toward it. Last evaluated 2026-01-19.

Conditions:
Inborn genetic diseases. Identifiers: MedGen C0950123, MeSH D030342.
BRWD3-related disorder. Also called: BRWD3-related condition.
Intellectual developmental disorder, X-linked 93. Also called: Intellectual disability, X-linked 93; MENTAL RETARDATION, X-LINKED, WITH MACROCEPHALY. Identifiers: MedGen C1970841, MONDO:0010393, OMIM 300659.

Allele frequency attached by ClinVar (database versions not stated): gnomAD exomes 0.00028 and 0.00084; gnomAD 0.00332 and 0.00306; ESP Exome Variant Server 0.00350; 1000 Genomes Project 0.00371; ExAC 0.00109; TOPMed 0.00313; 1000 Genomes Project 30x 0.00395.
gnomAD v4.1: 646 of 1,207,223 alleles (0.054%); highest among the groups gnomAD compares: African/African-American, 1%; 4 homozygotes.

Submissions (4):

Labcorp Genetics (formerly Invitae), Labcorp
Classification: Benign. Last evaluated: 2026-01-19. Review status: criteria provided, single submitter. Criteria: Invitae Variant Classification Sherloc (09022015). Collection method: clinical testing. Allele origin: germline.

Fulgent Genetics
Classification: Likely benign for Intellectual developmental disorder, X-linked 93. Last evaluated: 2021-08-06. Review status: criteria provided, single submitter. Criteria: ACMG Guidelines, 2015. Collection method: clinical testing. Allele origin: unknown.

Ambry Genetics
Classification: Benign for Inborn genetic diseases. Last evaluated: 2018-06-20. Review status: criteria provided, single submitter. Criteria: Ambry Variant Classification Scheme 2023. Collection method: clinical testing. Allele origin: germline.

PreventionGenetics, part of Exact Sciences
Classification: Benign for BRWD3-related condition. Last evaluated: 2019-07-16. Review status: no assertion criteria provided. Collection method: clinical testing. Allele origin: germline. Not counted in ClinVar's aggregate classification.
Comment: This variant is classified as benign based on ACMG/AMP sequence variant interpretation guidelines (Richards et al. 2015 PMID: 25741868, with internal and published modifications).